The following is an entry in ClinVar:

NM_019045.5(WDR44):c.2141G>A (p.Gly714Asp)

Gene: WDR44 (WD repeat domain 44; plus strand). Cytogenetic location: Xq24.
Variant type: single nucleotide variant.
Coding change: c.2141G>A on transcript NM_019045.5 (MANE Select); coding-DNA position 2141, G replaced by A.
Protein change: p.Gly714Asp; replaces glycine 714 with aspartic acid.
Molecular consequence: missense variant. On other transcripts: intron variant (1).
Genome position (GRCh38, 1-based): chrX:118,441,534, G>A. VCF-style: chrX-118441534-G-A. GRCh37 (hg19) VCF-style: chrX-117575497-G-A.
Other names: c.2141G>A, p.Gly714Asp (NM_001184965.2); c.1900-710G>A (NM_001184966.1); short protein forms G714D.
Identifiers: ClinVar variation 3368505 (VCV003368505.1).

ClinVar aggregate classification (germline): Uncertain significance (1 of 4 stars; one submission).

Submission:

GeneDx
Classification: Uncertain significance. Last evaluated: 2024-01-31. Review status: criteria provided, single submitter. Criteria: GeneDx Variant Classification Process June 2021. Collection method: clinical testing. Allele origin: germline. Affected: yes.
Comment: Not observed at significant frequency in large population cohorts (gnomAD); In silico analysis supports that this missense variant has a deleterious effect on protein structure/function; Has not been previously published as pathogenic or benign to our knowledge; Variants in candidate genes are classified as variants of uncertain significance in accordance with ACMG guidelines (PMID: 25741868)